The following is an entry in ClinVar:

NM_015512.5(DNAH1):c.7302C>T (p.Ser2434=)

Gene: DNAH1 (dynein axonemal heavy chain 1; plus strand). Cytogenetic location: 3p21.1.
Variant type: single nucleotide variant.
Coding change: c.7302C>T on transcript NM_015512.5 (MANE Select); coding-DNA position 7302, C replaced by T.
Protein change: p.Ser2434=; no amino-acid change (serine 2434 retained).
Molecular consequence: synonymous variant.
Genome position (GRCh38, 1-based): chr3:52,378,705, C>T. VCF-style: chr3-52378705-C-T. GRCh37 (hg19) VCF-style: chr3-52412721-C-T.
Identifiers: ClinVar variation 3353175 (VCV003353175.3).

ClinVar aggregate classification (germline): Likely benign. Review status: criteria provided, single submitter (1 of 4 stars). 2 submissions from 2 submitters: Likely benign (1). 1 of the submissions does not count toward it. Last evaluated 2025-11-09.

Conditions:
DNAH1-related disorder. Also called: DNAH1-related condition.
Ciliary dyskinesia, primary, 37 (CILD37). Also called: CILIARY DYSKINESIA, PRIMARY, 37, WITH OR WITHOUT SITUS INVERSUS. Identifiers: MedGen C4539798, MONDO:0033204, OMIM 617577.
Spermatogenic failure 18. Identifiers: MedGen C4539783, MONDO:0054615, OMIM 617576.

gnomAD v4.1: 9 of 1,613,690 alleles (0.00056%); highest among the groups gnomAD compares: Non-Finnish European, 0.00076%; no homozygotes.

Submissions (2):

Labcorp Genetics (formerly Invitae), Labcorp
Classification: Likely benign for Ciliary dyskinesia, primary, 37; Spermatogenic failure 18. Last evaluated: 2025-11-09. Review status: criteria provided, single submitter. Criteria: Invitae Variant Classification Sherloc (09022015). Collection method: clinical testing. Allele origin: germline.

PreventionGenetics, part of Exact Sciences
Classification: Likely benign for DNAH1-related condition. Last evaluated: 2019-02-28. Review status: no assertion criteria provided. Collection method: clinical testing. Allele origin: germline. Not counted in ClinVar's aggregate classification.
Comment: This variant is classified as likely benign based on ACMG/AMP sequence variant interpretation guidelines (Richards et al. 2015 PMID: 25741868, with internal and published modifications).